The following is an entry in ClinVar:

ClinVar aggregate classification (germline): Conflicting classifications of pathogenicity. Review status: criteria provided, conflicting classifications (1 of 4 stars). 3 submissions from 3 submitters: Likely pathogenic (1); Uncertain significance (2). Last evaluated 2025-12-24.

Allele frequency attached by ClinVar (database versions not stated): gnomAD 0.00001; gnomAD exomes 0.00001; TOPMed 0.00001; ExAC 0.00003.

Submissions (3):

Labcorp Genetics (formerly Invitae), Labcorp
Classification: Likely pathogenic. Last evaluated: 2025-12-24. Review status: criteria provided, single submitter. Criteria: Invitae Variant Classification Sherloc (09022015). Collection method: clinical testing. Allele origin: germline.
Comment: This sequence change replaces arginine, which is basic and polar, with glutamine, which is neutral and polar, at codon 1843 of the ABCA4 protein (p.Arg1843Gln). This variant is present in population databases (rs777519184, gnomAD 0.006%). This variant has not been reported in the literature in individuals affected with ABCA4-related conditions. ClinVar contains an entry for this variant (Variation ID: 2954917). Invitae Evidence Modeling of protein sequence and biophysical properties (such as structural, functional, and spatial information, amino acid conservation, physicochemical variation, residue mobility, and thermodynamic stability) indicates that this missense variant is expected to disrupt ABCA4 protein function with a positive predictive value of 95%. This variant disrupts the p.Arg1843 amino acid residue in ABCA4. Other variant(s) that disrupt this residue have been determined to be pathogenic (PMID: 9973280, 24409374, 26780318, 32307445; internal data). This suggests that this residue is clinically significant, and that variants that disrupt this residue are likely to be disease-causing. In summary, the currently available evidence indicates that the variant is pathogenic, but additional data are needed to prove that conclusively. Therefore, this variant has been classified as Likely Pathogenic.

GeneDx
Classification: Uncertain significance. Last evaluated: 2024-01-09. Review status: criteria provided, single submitter. Criteria: GeneDx Variant Classification Process June 2021. Collection method: clinical testing. Allele origin: germline. Affected: yes.
Comment: In silico analysis supports that this missense variant has a deleterious effect on protein structure/function; Has not been previously published as pathogenic or benign to our knowledge

Blueprint Genetics
Classification: Uncertain significance. Last evaluated: 2018-05-02. Review status: criteria provided, single submitter. Criteria: ACMG Guidelines, 2015. Collection method: clinical testing. Allele origin: germline.

Literature cited by the submitters: PubMed 9973280 (cited by Labcorp Genetics (formerly Invitae), Labcorp); PubMed 24409374 (cited by Labcorp Genetics (formerly Invitae), Labcorp); PubMed 26780318 (cited by Labcorp Genetics (formerly Invitae), Labcorp); PubMed 32307445 (cited by Labcorp Genetics (formerly Invitae), Labcorp).

NM_000350.3(ABCA4):c.5528G>A (p.Arg1843Gln)

Gene: ABCA4 (ATP binding cassette subfamily A member 4; minus strand). Cytogenetic location: 1p22.1.
Variant type: single nucleotide variant.
Coding change: c.5528G>A on transcript NM_000350.3 (MANE Select); coding-DNA position 5528, G replaced by A.
Protein change: p.Arg1843Gln; replaces arginine 1843 with glutamine.
Molecular consequence: missense variant.
Genome position (GRCh38, 1-based): chr1:94,011,318, C>T on the plus strand (G>A on the coding strand, the complement: ABCA4 is on the minus strand). VCF-style: chr1-94011318-C-T. GRCh37 (hg19) VCF-style: chr1-94476874-C-T.
Other names: c.5306G>A, p.Arg1769Gln (NM_001425324.1); c.5528G>A (NM_000350.2); short protein forms R1843Q, R1769Q.
Identifiers: ClinVar variation 2954917 (VCV002954917.5), dbSNP rs777519184, ClinGen allele CA957225.